The following is an entry in ClinVar:

ClinVar aggregate classification (germline): Likely benign (1 of 4 stars; one submission).

Submission:

GeneDx
Classification: Likely benign. Last evaluated: 2018-06-16. Review status: criteria provided, single submitter. Criteria: GeneDx Variant Classification (06012015). Collection method: clinical testing. Allele origin: germline. Affected: yes.
Comment: This variant is considered likely benign or benign based on one or more of the following criteria: it is a conservative change, it occurs at a poorly conserved position in the protein, it is predicted to be benign by multiple in silico algorithms, and/or has population frequency not consistent with disease.

NM_001267550.2(TTN):c.97492+154_97492+176del

Genes: TTN (titin; minus strand), TTN-AS1 (TTN antisense RNA 1; plus strand). Cytogenetic location: 2q31.2.
Variant type: Microsatellite.
Coding change: c.97492+154_97492+176del on transcript NM_001267550.2 (MANE Select); bases 154 to 176 of the intron after coding-DNA position 97492, 23 bases deleted (GTTTCTAAACCTCCTTTTCTCAG).
Molecular consequence: intron variant.
Genome position (GRCh38, 1-based): chr2:178,542,088-178,542,110, CTGAGAAAAGGAGGTTTAGAAAC deleted on the plus strand (GTTTCTAAACCTCCTTTTCTCAG on the coding strand, the reverse complement: TTN is on the minus strand); deleting any 23 consecutive bases within chr2:178,542,088-178,542,135 gives the same sequence; the c. name uses the placement nearest the transcript's 3' end. VCF-style (leftmost placement, unchanged base first): chr2-178542087-TCTGAGAAAAGGAGGTTTAGAAAC-T. GRCh37 (hg19) VCF-style: chr2-179406814-TCTGAGAAAAGGAGGTTTAGAAAC-T.
Other names: c.92569+154_92569+176del23 (NM_001256850.1); c.70297+154_70297+176del (NM_003319.4); c.70873+154_70873+176del (NM_133437.4); c.70672+154_70672+176del (NM_133432.3); c.89788+154_89788+176del (NM_133378.4); c.92569+154_92569+176del (NM_001256850.1).
Identifiers: ClinVar variation 675804 (VCV000675804.1), dbSNP rs537101749, ClinGen allele CA60968448.